The following is an entry in ClinVar:

NM_000553.6(WRN):c.4063C>T (p.Leu1355Phe)

Gene: WRN (WRN RecQ like helicase; plus strand). Cytogenetic location: 8p12.
Variant type: single nucleotide variant.
Coding change: c.4063C>T on transcript NM_000553.6 (MANE Select); coding-DNA position 4063, C replaced by T.
Protein change: p.Leu1355Phe; replaces leucine 1355 with phenylalanine.
Molecular consequence: missense variant.
Genome position (GRCh38, 1-based): chr8:31,167,102, C>T. VCF-style: chr8-31167102-C-T. GRCh37 (hg19) VCF-style: chr8-31024618-C-T.
Other names: short protein forms L1355F.
Identifiers: ClinVar variation 1016222 (VCV001016222.1), dbSNP rs757631368, ClinGen allele CA4705255.
Genomic context (GRCh38, chr8:31,167,102, plus strand): 5'-ATCAGAATGTTAGTTCCTGAAAACATTGACACGTACCTTATCCACATGGCAATTGAGATC[C>T]TTAAACATGGTCCTGACAGCGGACTTCAACCTTCATGTGATGTCAACAAAAGGAGATGTT-3'
Protein context (NP_000544.2, residues 1345-1365): TYLIHMAIEI[Leu1355Phe]KHGPDSGLQP

ClinVar aggregate classification (germline): Uncertain significance (1 of 4 stars; one submission).

Conditions:
Werner syndrome (WRN). Identifiers: Orphanet 902, MedGen C0043119, MONDO:0010196, OMIM 277700.

Allele frequency attached by ClinVar (database versions not stated): gnomAD exomes below 0.00001; ExAC 0.00001.
gnomAD v4.1: 3 of 1,613,378 alleles (0.00019%); highest among the groups gnomAD compares: Non-Finnish European, 0.00017%; no homozygotes.

Submission:

Labcorp Genetics (formerly Invitae), Labcorp
Classification: Uncertain significance for Werner syndrome. Last evaluated: 2020-08-20. Review status: criteria provided, single submitter. Criteria: Invitae Variant Classification Sherloc (09022015). Collection method: clinical testing. Allele origin: germline.
Comment: This sequence change replaces leucine with phenylalanine at codon 1355 of the WRN protein (p.Leu1355Phe). The leucine residue is moderately conserved and there is a small physicochemical difference between leucine and phenylalanine. This variant is present in population databases (rs757631368, ExAC 0.002%). This variant has not been reported in the literature in individuals with WRN-related conditions. Algorithms developed to predict the effect of missense changes on protein structure and function are either unavailable or do not agree on the potential impact of this missense change (SIFT: Not Available; PolyPhen-2: Probably Damaging; Align-GVGD: Not Available). In summary, the available evidence is currently insufficient to determine the role of this variant in disease. Therefore, it has been classified as a Variant of Uncertain Significance.